The following is an entry in ClinVar:

NM_004606.5(TAF1):c.4271G>A (p.Arg1424Gln)

Gene: TAF1 (TATA-box binding protein associated factor 1; plus strand). Cytogenetic location: Xq13.1.
Variant type: single nucleotide variant.
Coding change: c.4271G>A on transcript NM_004606.5 (MANE Select); coding-DNA position 4271, G replaced by A.
Protein change: p.Arg1424Gln; replaces arginine 1424 with glutamine.
Molecular consequence: missense variant. On other transcripts: non-coding transcript variant (9).
Genome position (GRCh38, 1-based): chrX:71,408,038, G>A. VCF-style: chrX-71408038-G-A. GRCh37 (hg19) VCF-style: chrX-70627888-G-A.
Other names: c.4271G>A, p.Arg1424Gln (NM_001286074.2); c.4208G>A, p.Arg1403Gln (NM_138923.4); short protein forms R1403Q, R1424Q.
Identifiers: ClinVar variation 3365691 (VCV003365691.1).

ClinVar aggregate classification (germline): Uncertain significance (1 of 4 stars; one submission).

gnomAD v4.1: 1 of 1,211,467 alleles (0.000083%); highest among the groups gnomAD compares: East Asian, 0.003%; no homozygotes.

Submission:

GeneDx
Classification: Uncertain significance. Last evaluated: 2023-12-13. Review status: criteria provided, single submitter. Criteria: GeneDx Variant Classification Process June 2021. Collection method: clinical testing. Allele origin: germline. Affected: yes.
Comment: Not observed at significant frequency in large population cohorts (gnomAD); In silico analysis supports that this missense variant has a deleterious effect on protein structure/function; Has not been previously published as pathogenic or benign to our knowledge